The following is an entry in ClinVar:

ClinVar aggregate classification (germline): Uncertain significance (1 of 4 stars; one submission).

Conditions:
Primary ciliary dyskinesia. Also called: Ciliary dyskinesia. Identifiers: Orphanet 244, MedGen C0008780, MONDO:0016575, HP:0012265.

Allele frequency attached by ClinVar (database versions not stated): TOPMed 0.00001.

Submission:

Labcorp Genetics (formerly Invitae), Labcorp
Classification: Uncertain significance for Primary ciliary dyskinesia. Last evaluated: 2021-06-20. Review status: criteria provided, single submitter. Criteria: Invitae Variant Classification Sherloc (09022015). Collection method: clinical testing. Allele origin: germline.
Comment: In summary, the available evidence is currently insufficient to determine the role of this variant in disease. Therefore, it has been classified as a Variant of Uncertain Significance. Algorithms developed to predict the effect of missense changes on protein structure and function (SIFT, PolyPhen-2, Align-GVGD) all suggest that this variant is likely to be tolerated, but these predictions have not been confirmed by published functional studies and their clinical significance is uncertain. This variant has not been reported in the literature in individuals with DNAAF3-related conditions. This variant is not present in population databases (ExAC no frequency). This sequence change replaces glutamic acid with alanine at codon 526 of the DNAAF3 protein (p.Glu526Ala). The glutamic acid residue is weakly conserved and there is a moderate physicochemical difference between glutamic acid and alanine.

NM_001256715.2(DNAAF3):c.1376A>C (p.Glu459Ala)

Genes: DNAAF3 (dynein axonemal assembly factor 3; minus strand), DNAAF3-AS1 (DNAAF3 antisense RNA 1; plus strand). Cytogenetic location: 19q13.42.
Variant type: single nucleotide variant.
Coding change: c.1376A>C on transcript NM_001256715.2 (MANE Select); coding-DNA position 1376, A replaced by C.
Protein change: p.Glu459Ala; replaces glutamic acid 459 with alanine.
Molecular consequence: missense variant.
Genome position (GRCh38, 1-based): chr19:55,159,312, T>G on the plus strand (A>C on the coding strand, the complement: DNAAF3 is on the minus strand). VCF-style: chr19-55159312-T-G. GRCh37 (hg19) VCF-style: chr19-55670680-T-G.
Other names: c.1577A>C, p.Glu526Ala (NM_001256714.1); c.1214A>C, p.Glu405Ala (NM_001256716.2); c.1517A>C, p.Glu506Ala (NM_178837.4); short protein forms E459A, E405A, E506A, E526A.
Identifiers: ClinVar variation 1411674 (VCV001411674.7), dbSNP rs1234177840, ClinGen allele CA407446564.